The following is an entry in ClinVar:

ClinVar aggregate classification (germline): Likely benign (1 of 4 stars; one submission).

gnomAD v4.1: 89 of 1,588,032 alleles (0.0056%); highest among the groups gnomAD compares: Non-Finnish European, 0.0075%; no homozygotes.

Submission:

CeGaT Center for Human Genetics Tuebingen
Classification: Likely benign. Last evaluated: 2026-09-01. Review status: criteria provided, single submitter. Criteria: CeGaT Center For Human Genetics Tuebingen Variant Classification Criteria Version 2. Collection method: clinical testing. Allele origin: germline. Affected: yes. Observed: 1 variant allele.
Comment: MYOD1: BP4, BP7

NM_002478.5(MYOD1):c.924T>A (p.Pro308=)

Gene: MYOD1 (myogenic differentiation 1; plus strand). Cytogenetic location: 11p15.1.
Variant type: single nucleotide variant.
Coding change: c.924T>A on transcript NM_002478.5 (MANE Select); coding-DNA position 924, T replaced by A.
Protein change: p.Pro308=; no amino-acid change (proline 308 retained).
Molecular consequence: synonymous variant.
Genome position (GRCh38, 1-based): chr11:17,721,469, T>A. VCF-style: chr11-17721469-T-A. GRCh37 (hg19) VCF-style: chr11-17743016-T-A.
Identifiers: ClinVar variation 5041151 (VCV005041151.1).
Genomic context (GRCh38, chr11:17,721,469, plus strand): 5'-CAGCGAGGGAGAGAGCAGCGGCGACCCCACCCAGTCACCGGACGCCGCCCCGCAGTGCCC[T>A]GCGGGTGCGAACCCCAACCCGATATACCAGGTGCTCTGAGGGGATGGTGGCCGCCCACCC-3'
Protein context (NP_002469.2, residues 298-318): TQSPDAAPQC[Pro308=]AGANPNPIYQ